The following is an entry in ClinVar:

ClinVar aggregate classification (germline): Uncertain significance. Review status: criteria provided, multiple submitters, no conflicts (2 of 4 stars). 2 submissions from 2 submitters: Uncertain significance (2). Last evaluated 2021-10-02.

Conditions:
T-B+ severe combined immunodeficiency due to JAK3 deficiency. Also called: SCID, autosomal recessive, T-negative/B-positive type; SCID, T CELL-NEGATIVE, B CELL-POSITIVE, NK CELL-NEGATIVE. Identifiers: Orphanet 35078, MedGen C1833275, MONDO:0010938, OMIM 600802.

Allele frequency attached by ClinVar (database versions not stated): gnomAD exomes below 0.00001.
gnomAD v4.1: 4 of 1,613,494 alleles (0.00025%); highest among the groups gnomAD compares: Non-Finnish European, 0.00034%; no homozygotes.

Submissions (2):

Labcorp Genetics (formerly Invitae), Labcorp
Classification: Uncertain significance for T-B+ severe combined immunodeficiency due to JAK3 deficiency. Last evaluated: 2021-10-02. Review status: criteria provided, single submitter. Criteria: Invitae Variant Classification Sherloc (09022015). Collection method: clinical testing. Allele origin: germline.
Comment: This sequence change replaces arginine with tryptophan at codon 1085 of the JAK3 protein (p.Arg1085Trp). The arginine residue is highly conserved and there is a moderate physicochemical difference between arginine and tryptophan. This variant is not present in population databases (ExAC no frequency). This variant has not been reported in the literature in individuals affected with JAK3-related conditions. ClinVar contains an entry for this variant (Variation ID: 495735). Advanced modeling of protein sequence and biophysical properties (such as structural, functional, and spatial information, amino acid conservation, physicochemical variation, residue mobility, and thermodynamic stability) performed at Invitae indicates that this missense variant is expected to disrupt JAK3 protein function. In summary, the available evidence is currently insufficient to determine the role of this variant in disease. Therefore, it has been classified as a Variant of Uncertain Significance.

Women's Health and Genetics/Laboratory Corporation of America, LabCorp
Classification: Uncertain significance. Last evaluated: 2016-09-26. Review status: criteria provided, single submitter. Criteria: LabCorp Variant Classification Summary - May 2015. Collection method: clinical testing. Allele origin: germline.
Comment: Variant summary: The JAK3 c.3253C>T (p.Arg1085Trp) variant located in the Protein kinase-like domain (via InterPro) causes a missense change involving a conserved nucleotide with 3/3 in silico tools (SNPs&GO not captured due to a low reliability index value and SIFT was not working at time of inquiry) predict a damaging outcome, although these predictions have yet to be functionally assessed. The variant of interest was not observed in controls (ExAC, 1000 Gs, or ESP), nor has it been, to our knowledge, reported in affected individuals via publications and/or reputable databases/clinical diagnostic laboratories. Therefore, until additional information becomes available, the variant of interest is classified as a "Variant of Uncertain Significance (VUS)."

NM_000215.4(JAK3):c.3253C>T (p.Arg1085Trp)

Gene: JAK3 (Janus kinase 3; minus strand). Cytogenetic location: 19p13.11.
Variant type: single nucleotide variant.
Coding change: c.3253C>T on transcript NM_000215.4 (MANE Select); coding-DNA position 3253, C replaced by T.
Protein change: p.Arg1085Trp; replaces arginine 1085 with tryptophan.
Molecular consequence: missense variant.
Genome position (GRCh38, 1-based): chr19:17,826,865, G>A on the plus strand (C>T on the coding strand, the complement: JAK3 is on the minus strand). VCF-style: chr19-17826865-G-A. GRCh37 (hg19) VCF-style: chr19-17937674-G-A.
Other names: short protein forms R1085W.
Identifiers: ClinVar variation 495735 (VCV000495735.4), dbSNP rs1265005806, ClinGen allele CA404763148.